The following is an entry in ClinVar:

ClinVar aggregate classification (germline): Uncertain significance. Review status: criteria provided, multiple submitters, no conflicts (2 of 4 stars). 3 submissions from 3 submitters: Uncertain significance (3). Last evaluated 2024-08-26.

Allele frequency attached by ClinVar (database versions not stated): gnomAD exomes below 0.00001 and 0.00003; ExAC 0.00001; gnomAD 0.00001; TOPMed 0.00001.
gnomAD v4.1: 47 of 1,611,372 alleles (0.0029%); highest among the groups gnomAD compares: Non-Finnish European, 0.0038%; no homozygotes.

Submissions (3):

Labcorp Genetics (formerly Invitae), Labcorp
Classification: Uncertain significance. Last evaluated: 2024-08-26. Review status: criteria provided, single submitter. Criteria: Invitae Variant Classification Sherloc (09022015). Collection method: clinical testing. Allele origin: germline.
Comment: This sequence change replaces tyrosine, which is neutral and polar, with histidine, which is basic and polar, at codon 320 of the RECQL protein (p.Tyr320His). This variant is present in population databases (rs759142546, gnomAD 0.005%). This variant has not been reported in the literature in individuals affected with RECQL-related conditions. ClinVar contains an entry for this variant (Variation ID: 1306685). Invitae Evidence Modeling of protein sequence and biophysical properties (such as structural, functional, and spatial information, amino acid conservation, physicochemical variation, residue mobility, and thermodynamic stability) indicates that this missense variant is expected to disrupt RECQL protein function with a positive predictive value of 80%. In summary, the available evidence is currently insufficient to determine the role of this variant in disease. Therefore, it has been classified as a Variant of Uncertain Significance.

Ambry Genetics
Classification: Uncertain significance. Last evaluated: 2024-03-25. Review status: criteria provided, single submitter. Criteria: Ambry Variant Classification Scheme 2023. Collection method: clinical testing. Allele origin: germline.
Comment: The p.Y320H variant (also known as c.958T>C), located in coding exon 8 of the RECQL gene, results from a T to C substitution at nucleotide position 958. The tyrosine at codon 320 is replaced by histidine, an amino acid with similar properties. This amino acid position is conserved. In addition, this alteration is predicted to be deleterious by in silico analysis. Since supporting evidence is limited at this time, the clinical significance of this alteration remains unclear.

GeneDx
Classification: Uncertain significance. Last evaluated: 2019-06-24. Review status: criteria provided, single submitter. Criteria: GeneDx Variant Classification Process June 2021. Collection method: clinical testing. Allele origin: germline. Affected: yes.
Comment: Not observed at a significant frequency in large population cohorts (Lek et al., 2016); In silico analysis, which includes protein predictors and evolutionary conservation, supports a deleterious effect; Has not been previously published as pathogenic or benign to our knowledge

NM_002907.4(RECQL):c.958T>C (p.Tyr320His)

Gene: RECQL (RecQ like helicase; minus strand). Cytogenetic location: 12p12.1.
Variant type: single nucleotide variant.
Coding change: c.958T>C on transcript NM_002907.4 (MANE Select); coding-DNA position 958, T replaced by C.
Protein change: p.Tyr320His; replaces tyrosine 320 with histidine.
Molecular consequence: missense variant.
Genome position (GRCh38, 1-based): chr12:21,475,816, A>G on the plus strand (T>C on the coding strand, the complement: RECQL is on the minus strand). VCF-style: chr12-21475816-A-G. GRCh37 (hg19) VCF-style: chr12-21628750-A-G.
Other names: c.958T>C, p.Tyr320His (NM_032941.3); short protein forms Y320H.
Identifiers: ClinVar variation 1306685 (VCV001306685.8), dbSNP rs759142546, ClinGen allele CA6478894.